The following is an entry in ClinVar:

ClinVar aggregate classification (germline): Likely benign (1 of 4 stars; one submission).

Submission:

CeGaT Center for Human Genetics Tuebingen
Classification: Likely benign. Last evaluated: 2025-11-01. Review status: criteria provided, single submitter. Criteria: CeGaT Center For Human Genetics Tuebingen Variant Classification Criteria Version 2. Collection method: clinical testing. Allele origin: germline. Affected: yes. Observed: 1 variant allele.
Comment: CHD3: PM2:Supporting, BP4, BP7

NM_001005273.3(CHD3):c.1383A>G (p.Val461=)

Gene: CHD3 (chromodomain helicase DNA binding protein 3; plus strand). Cytogenetic location: 17p13.1.
Variant type: single nucleotide variant.
Coding change: c.1383A>G on transcript NM_001005273.3 (MANE Select); coding-DNA position 1383, A replaced by G.
Protein change: p.Val461=; no amino-acid change (valine 461 retained).
Molecular consequence: synonymous variant.
Genome position (GRCh38, 1-based): chr17:7,895,030, A>G. VCF-style: chr17-7895030-A-G. GRCh37 (hg19) VCF-style: chr17-7798348-A-G.
Other names: c.1560A>G, p.Val520= (NM_001005271.3, NM_001437504.1); c.1548A>G, p.Val516= (NM_001437507.1, NM_001437508.1, NM_001437509.1); c.1383A>G, p.Val461= (NM_005852.4).
Identifiers: ClinVar variation 4533659 (VCV004533659.6).